The following is an entry in ClinVar:

NM_002519.3(NPAT):c.3521A>G (p.Asp1174Gly)

Gene: NPAT (nuclear protein, coactivator of histone transcription; minus strand). Cytogenetic location: 11q22.3.
Variant type: single nucleotide variant.
Coding change: c.3521A>G on transcript NM_002519.3 (MANE Select); coding-DNA position 3521, A replaced by G.
Protein change: p.Asp1174Gly; replaces aspartic acid 1174 with glycine.
Molecular consequence: missense variant.
Genome position (GRCh38, 1-based): chr11:108,161,565, T>C on the plus strand (A>G on the coding strand, the complement: NPAT is on the minus strand). VCF-style: chr11-108161565-T-C. GRCh37 (hg19) VCF-style: chr11-108032292-T-C.
Other names: c.3542A>G, p.Asp1181Gly (NM_001321307.1); short protein forms D1174G, D1181G.
Identifiers: ClinVar variation 2568021 (VCV002568021.2), dbSNP rs1267574782, ClinGen allele CA382510625.

ClinVar aggregate classification (germline): Uncertain significance (1 of 4 stars; one submission).

Allele frequency attached by ClinVar (database versions not stated): gnomAD exomes below 0.00001; TOPMed below 0.00001; gnomAD 0.00001.
gnomAD v4.1: 6 of 1,614,112 alleles (0.00037%); highest among the groups gnomAD compares: Admixed American, 0.01%; no homozygotes.

Submission:

Ambry Genetics
Classification: Uncertain significance. Last evaluated: 2023-05-28. Review status: criteria provided, single submitter. Criteria: Ambry Variant Classification Scheme 2023. Collection method: clinical testing. Allele origin: germline.
Comment: The p.D1174G variant (also known as c.3521A>G), located in coding exon 17 of the NPAT gene, results from an A to G substitution at nucleotide position 3521. The aspartic acid at codon 1174 is replaced by glycine, an amino acid with similar properties. This amino acid position is conserved. In addition, this alteration is predicted to be tolerated by in silico analysis. Since supporting evidence is limited at this time, the clinical significance of this alteration remains unclear.